The following is an entry in ClinVar:

ClinVar aggregate classification (germline): Uncertain significance. Review status: criteria provided, multiple submitters, no conflicts (2 of 4 stars). 2 submissions from 2 submitters: Uncertain significance (2). Last evaluated 2025-06-14.

Submissions (2):

GeneDx
Classification: Uncertain significance. Last evaluated: 2025-06-14. Review status: criteria provided, single submitter. Criteria: GeneDx Variant Classification Process June 2021. Collection method: clinical testing. Allele origin: germline. Affected: yes.
Comment: In silico analysis supports that this missense variant has a deleterious effect on protein structure/function; Has not been previously published as pathogenic or benign to our knowledge

Mayo Clinic Laboratories, Mayo Clinic
Classification: Uncertain significance. Last evaluated: 2025-05-07. Review status: criteria provided, single submitter. Criteria: ACMG Guidelines, 2015. Collection method: clinical testing. Allele origin: germline. Observed: 1 variant allele.
Comment: PM2_supporting

NM_005475.3(SH2B3):c.1192C>T (p.Arg398Cys)

Gene: SH2B3 (SH2B adaptor protein 3; plus strand). Cytogenetic location: 12q24.12.
Variant type: single nucleotide variant.
Coding change: c.1192C>T on transcript NM_005475.3 (MANE Select); coding-DNA position 1192, C replaced by T.
Protein change: p.Arg398Cys; replaces arginine 398 with cysteine.
Molecular consequence: missense variant.
Genome position (GRCh38, 1-based): chr12:111,447,500, C>T. VCF-style: chr12-111447500-C-T. GRCh37 (hg19) VCF-style: chr12-111885304-C-T.
Other names: p.Arg196Cys; c.586C>T, p.Arg196Cys (NM_001291424.1); short protein forms R196C, R398C.
Identifiers: ClinVar variation 4538085 (VCV004538085.2).